The following is an entry in ClinVar:

NM_003631.5(PARG):c.2833A>G (p.Thr945Ala)

Gene: PARG (poly(ADP-ribose) glycohydrolase; minus strand). Cytogenetic location: 10q11.23.
Variant type: single nucleotide variant.
Coding change: c.2833A>G on transcript NM_003631.5 (MANE Select); coding-DNA position 2833, A replaced by G.
Protein change: p.Thr945Ala; replaces threonine 945 with alanine.
Molecular consequence: missense variant. On other transcripts: non-coding transcript variant (7).
Genome position (GRCh38, 1-based): chr10:49,819,438, T>C on the plus strand (A>G on the coding strand, the complement: PARG is on the minus strand). VCF-style: chr10-49819438-T-C. GRCh37 (hg19) VCF-style: chr10-51027484-T-C.
Other names: c.2587A>G, p.Thr863Ala (NM_001303486.3, NM_001324381.3); c.2509A>G, p.Thr837Ala (NM_001303487.3); c.1591A>G, p.Thr531Ala (NM_001303489.3); short protein forms T837A, T863A, T945A, T531A.
Identifiers: ClinVar variation 3414154 (VCV003414154.1).
Genomic context (GRCh38, chr10:49,819,438, plus strand): 5'-CTGCACAGGACTCGACAGCATGGTATATGAATGGATAAAGCTTGATGTCTGGTCCAGGGG[T>C]GGAACAGTTTCTGCATTCTTCATTGTAGTATCGTAGCAACAGCTTATACACATCTCCTGG-3'
Protein context (NP_003622.2, residues 935-955): YYNEECRNCS[Thr945Ala]PGPDIKLYPF

ClinVar aggregate classification (germline): Uncertain significance (1 of 4 stars; one submission).

Submission:

Ambry Genetics
Classification: Uncertain significance. Last evaluated: 2024-09-08. Review status: criteria provided, single submitter. Criteria: Ambry Variant Classification Scheme 2023. Collection method: clinical testing. Allele origin: germline.
Comment: The c.2833A>G (p.T945A) alteration is located in exon (coding exon ) of the PARG gene. This alteration results from a A to G substitution at nucleotide position 2833, causing the threonine (T) at amino acid position 945 to be replaced by an alanine (A). Based on insufficient or conflicting evidence, the clinical significance of this alteration remains unclear.